The following is an entry in ClinVar:

ClinVar aggregate classification (germline): Uncertain significance (1 of 4 stars; one submission).

Submission:

Labcorp Genetics (formerly Invitae), Labcorp
Classification: Uncertain significance. Last evaluated: 2025-04-19. Review status: criteria provided, single submitter. Criteria: Invitae Variant Classification Sherloc (09022015). Collection method: clinical testing. Allele origin: germline.
Comment: This sequence change replaces serine, which is neutral and polar, with asparagine, which is neutral and polar, at codon 293 of the KLF1 protein (p.Ser293Asn). This variant is not present in population databases (gnomAD no frequency). This variant has not been reported in the literature in individuals affected with KLF1-related conditions. Invitae Evidence Modeling of protein sequence and biophysical properties (such as structural, functional, and spatial information, amino acid conservation, physicochemical variation, residue mobility, and thermodynamic stability) indicates that this missense variant is expected to disrupt KLF1 protein function with a positive predictive value of 80%. In summary, the available evidence is currently insufficient to determine the role of this variant in disease. Therefore, it has been classified as a Variant of Uncertain Significance.

NM_006563.5(KLF1):c.878G>A (p.Ser293Asn)

Genes: KLF1 (KLF transcription factor 1; minus strand), LOC117125591 (CRISPRi-FlowFISH-validated PRDX2 and RAD23A regulatory element; plus strand). Cytogenetic location: 19p13.13.
Variant type: single nucleotide variant.
Coding change: c.878G>A on transcript NM_006563.5 (MANE Select); coding-DNA position 878, G replaced by A.
Protein change: p.Ser293Asn; replaces serine 293 with asparagine.
Molecular consequence: missense variant.
Genome position (GRCh38, 1-based): chr19:12,885,352, C>T on the plus strand (G>A on the coding strand, the complement: KLF1 is on the minus strand). VCF-style: chr19-12885352-C-T. GRCh37 (hg19) VCF-style: chr19-12996166-C-T.
Other names: short protein forms S293N.
Identifiers: ClinVar variation 4746067 (VCV004746067.1).